The following is an entry in ClinVar:

NM_000256.3(MYBPC3):c.3472G>A (p.Val1158Ile)

Gene: MYBPC3 (myosin binding protein C3; minus strand). Cytogenetic location: 11p11.2.
Variant type: single nucleotide variant.
Coding change: c.3472G>A on transcript NM_000256.3 (MANE Select); coding-DNA position 3472, G replaced by A.
Protein change: p.Val1158Ile; replaces valine 1158 with isoleucine.
Molecular consequence: missense variant.
Genome position (GRCh38, 1-based): chr11:47,332,832, C>T on the plus strand (G>A on the coding strand, the complement: MYBPC3 is on the minus strand). VCF-style: chr11-47332832-C-T. GRCh37 (hg19) VCF-style: chr11-47354383-C-T.
Other names: short protein forms V1158I.
Identifiers: ClinVar variation 177812 (VCV000177812.20), dbSNP rs542350927, ClinGen allele CA014206.

ClinVar aggregate classification (germline): Conflicting classifications of pathogenicity. Review status: criteria provided, conflicting classifications (1 of 4 stars). 5 submissions from 5 submitters: Uncertain significance (1); Likely benign (4). Last evaluated 2025-11-19.

Conditions:
Cardiovascular phenotype. Identifiers: MedGen CN230736.
Cardiomyopathy (CMYO). Also called: Cardiomyopathies. Identifiers: Orphanet 167848, MedGen C0878544, MONDO:0004994, HP:0001638. Inheritance: Various modes of inheritance.
Hypertrophic cardiomyopathy. Also called: HYPERTROPHIC MYOCARDIOPATHY. Identifiers: Orphanet 217569, MedGen C0007194, MeSH D002312, MONDO:0005045, HP:0001639.

Allele frequency attached by ClinVar (database versions not stated): gnomAD 0.00003; gnomAD exomes 0.00003 and 0.00013; TOPMed 0.00008; ExAC 0.00015; 1000 Genomes Project 30x 0.00016; 1000 Genomes Project 0.00020.
gnomAD v4.1: 48 of 1,607,072 alleles (0.003%); highest among the groups gnomAD compares: Admixed American, 0.065%; no homozygotes.

Submissions (5):

Labcorp Genetics (formerly Invitae), Labcorp
Classification: Likely benign for Hypertrophic cardiomyopathy. Last evaluated: 2025-11-19. Review status: criteria provided, single submitter. Criteria: Invitae Variant Classification Sherloc (09022015). Collection method: clinical testing. Allele origin: germline.

Ambry Genetics
Classification: Uncertain significance for Cardiovascular phenotype. Last evaluated: 2021-06-23. Review status: criteria provided, single submitter. Criteria: Ambry Variant Classification Scheme 2023. Collection method: clinical testing. Allele origin: germline.
Comment: The p.V1158I variant (also known as c.3472G>A), located in coding exon 31 of the MYBPC3 gene, results from a G to A substitution at nucleotide position 3472. The valine at codon 1158 is replaced by isoleucine, an amino acid with highly similar properties. This amino acid position is conserved. In addition, this alteration is predicted to be tolerated by in silico analysis. Since supporting evidence is limited at this time, the clinical significance of this alteration remains unclear.

Color Diagnostics, LLC DBA Color Health
Classification: Likely benign for Cardiomyopathy. Last evaluated: 2021-05-03. Review status: criteria provided, single submitter. Criteria: ACMG Guidelines, 2015. Collection method: clinical testing. Allele origin: germline.

GeneDx
Classification: Likely benign. Last evaluated: 2018-02-14. Review status: criteria provided, single submitter. Criteria: GeneDx Variant Classification (06012015). Collection method: clinical testing. Allele origin: germline. Affected: yes.
Comment: This variant is considered likely benign or benign based on one or more of the following criteria: it is a conservative change, it occurs at a poorly conserved position in the protein, it is predicted to be benign by multiple in silico algorithms, and/or has population frequency not consistent with disease.

Laboratory for Molecular Medicine, Mass General Brigham Personalized Medicine
Classification: Likely benign. Last evaluated: 2013-09-24. Review status: criteria provided, single submitter. Criteria: LMM Criteria. Collection method: clinical testing. Allele origin: germline. Observed: 3 variant alleles.
Comment: Val1158Ile in exon 31 of MYBPC3: This variant is not expected to have clinical s ignificance due to a lack of conservation across species, including mammals. Of note, 3 mammals (orangutan, rat, and guinea pig) have an isoleucine (Ile) at thi s position despite high nearby amino acid conservation. In addition, computation al analyses (AlignGVGD, PolyPhen2, SIFT) do not suggest a high likelihood of imp act to the protein.